The following is an entry in ClinVar:

NM_002474.3(MYH11):c.5772C>G (p.Leu1924=)

Genes: MYH11 (myosin heavy chain 11; minus strand), NDE1 (nudE neurodevelopment protein 1; plus strand). Cytogenetic location: 16p13.11.
Variant type: single nucleotide variant.
Coding change: c.5772C>G on transcript NM_002474.3 (MANE Select); coding-DNA position 5772, C replaced by G.
Protein change: p.Leu1924=; no amino-acid change (leucine 1924 retained).
Molecular consequence: synonymous variant. On other transcripts: intron variant (2).
Genome position (GRCh38, 1-based): chr16:15,714,923, G>C on the plus strand (C>G on the coding strand, the complement: MYH11 is on the minus strand). VCF-style: chr16-15714923-G-C. GRCh37 (hg19) VCF-style: chr16-15808780-G-C.
Other names: c.5793C>G, p.Leu1931= (NM_001040113.2, NM_001040114.2); c.5772C>G, p.Leu1924= (NM_022844.3); c.948-9268G>C (NM_001143979.2, NM_017668.3).
Identifiers: ClinVar variation 318090 (VCV000318090.42), dbSNP rs774511118, ClinGen allele CA7921146.

ClinVar aggregate classification (germline): Conflicting classifications of pathogenicity. Review status: criteria provided, conflicting classifications (1 of 4 stars). 6 submissions from 6 submitters: Uncertain significance (1); Likely benign (5). Last evaluated 2024-05-05.

Conditions:
Familial thoracic aortic aneurysm and aortic dissection (TAAD). Also called: Thoracic aortic aneurysms and dissections. Identifiers: Orphanet 91387, MedGen C4707243, MONDO:0019625.
Aortic aneurysm, familial thoracic 4 (AAT4). Also called: AORTIC ANEURYSM/AORTIC DISSECTION AND PATENT DUCTUS ARTERIOSUS. Identifiers: MedGen C1851504, MONDO:0007568, OMIM 132900.

Allele frequency attached by ClinVar (database versions not stated): gnomAD exomes 0.00001; ExAC 0.00002; gnomAD 0.00002; TOPMed 0.00002.
gnomAD v4.1: 15 of 1,613,862 alleles (0.00093%); highest among the groups gnomAD compares: Non-Finnish European, 0.0013%; no homozygotes.

Submissions (6):

Ambry Genetics
Classification: Likely benign for Familial thoracic aortic aneurysm and aortic dissection. Last evaluated: 2024-05-05. Review status: criteria provided, single submitter. Criteria: Ambry Variant Classification Scheme 2023. Collection method: clinical testing. Allele origin: germline.

All of Us Research Program, National Institutes of Health
Classification: Likely benign for Familial thoracic aortic aneurysm and aortic dissection. Last evaluated: 2023-11-20. Review status: criteria provided, single submitter. Criteria: ACMG Guidelines, 2015. Collection method: clinical testing. Allele origin: germline. Inheritance: Autosomal dominant inheritance. Observed: 4 variant alleles, 4 heterozygotes.
Comment: This study involves interpretation of variants in research participants for the purpose of population health screening. Participant phenotype was not available at the time of variant classification. Additional details can be found in publication PMID: 35346344, PMCID: PMC8962531

Labcorp Genetics (formerly Invitae), Labcorp
Classification: Likely benign for Aortic aneurysm, familial thoracic 4. Last evaluated: 2023-10-09. Review status: criteria provided, single submitter. Criteria: Invitae Variant Classification Sherloc (09022015). Collection method: clinical testing. Allele origin: germline.

CeGaT Center for Human Genetics Tuebingen
Classification: Likely benign. Last evaluated: 2023-09-01. Review status: criteria provided, single submitter. Criteria: CeGaT Center For Human Genetics Tuebingen Variant Classification Criteria Version 2. Collection method: clinical testing. Allele origin: germline. Affected: yes. Observed: 1 variant allele.
Comment: MYH11: BP4, BP7

Color Diagnostics, LLC DBA Color Health
Classification: Likely benign for Familial thoracic aortic aneurysm and aortic dissection. Last evaluated: 2019-03-30. Review status: criteria provided, single submitter. Criteria: ACMG Guidelines, 2015. Collection method: clinical testing. Allele origin: germline.

CHEO Genetics Diagnostic Laboratory, Children's Hospital of Eastern Ontario
Classification: Uncertain significance for Familial thoracic aortic aneurysm and aortic dissection. Last evaluated: 2016-02-22. Review status: criteria provided, single submitter. Criteria: ACMG Guidelines, 2015. Collection method: clinical testing. Allele origin: germline. Study: Canadian Open Genetics Repository.